The following is an entry in ClinVar:

ClinVar aggregate classification (germline): Uncertain significance (1 of 4 stars; one submission).

Conditions:
Inborn genetic diseases. Identifiers: MedGen C0950123, MeSH D030342.

gnomAD v4.1: 1 of 1,613,794 alleles (0.000062%); highest among the groups gnomAD compares: East Asian, 0.0022%; no homozygotes.

Submission:

Ambry Genetics
Classification: Uncertain significance for Inborn genetic diseases. Last evaluated: 2026-03-17. Review status: criteria provided, single submitter. Criteria: Ambry Variant Classification Scheme 2023. Collection method: clinical testing. Allele origin: germline.
Comment: The p.F431L variant (also known as c.1291T>C), located in coding exon 6 of the SH2B3 gene, results from a T to C substitution at nucleotide position 1291. The phenylalanine at codon 431 is replaced by leucine, an amino acid with highly similar properties. This amino acid position is conserved. In addition, this alteration is predicted to be deleterious by in silico analysis. Based on the available evidence, the clinical significance of this variant remains unclear.

NM_005475.3(SH2B3):c.1291T>C (p.Phe431Leu)

Gene: SH2B3 (SH2B adaptor protein 3; plus strand). Cytogenetic location: 12q24.12.
Variant type: single nucleotide variant.
Coding change: c.1291T>C on transcript NM_005475.3 (MANE Select); coding-DNA position 1291, T replaced by C.
Protein change: p.Phe431Leu; replaces phenylalanine 431 with leucine.
Molecular consequence: missense variant.
Genome position (GRCh38, 1-based): chr12:111,447,710, T>C. VCF-style: chr12-111447710-T-C. GRCh37 (hg19) VCF-style: chr12-111885514-T-C.
Other names: c.685T>C, p.Phe229Leu (NM_001291424.1); short protein forms F229L, F431L.
Identifiers: ClinVar variation 4864385 (VCV004864385.1).
Genomic context (GRCh38, chr12:111,447,710, plus strand): 5'-CCACAGCACCTGCGCCTGTCGCTGACAGAGCGGGGCCAGTGCCGTGTGCAGCACCTCCAC[T>C]TTCCCTCGGTCGTGGACATGCTCCACCACTTCCAGCGCTCGCCCATCCCACTCGAGTGCG-3'
Protein context (NP_005466.1, residues 421-441): RGQCRVQHLH[Phe431Leu]PSVVDMLHHF